The following is an entry in ClinVar:

NM_000350.3(ABCA4):c.1099+2T>G

Gene: ABCA4 (ATP binding cassette subfamily A member 4; minus strand). Cytogenetic location: 1p22.1.
Variant type: single nucleotide variant.
Coding change: c.1099+2T>G on transcript NM_000350.3 (MANE Select); the canonical splice donor site of the intron after coding-DNA position 1099, T replaced by G.
Molecular consequence: splice donor variant.
Genome position (GRCh38, 1-based): chr1:94,080,476, A>C on the plus strand (T>G on the coding strand, the complement: ABCA4 is on the minus strand). VCF-style: chr1-94080476-A-C. GRCh37 (hg19) VCF-style: chr1-94546032-A-C.
Identifiers: ClinVar variation 1066885 (VCV001066885.8), dbSNP rs2101106481, ClinGen allele CA341283696.
Genomic context (GRCh38, chr1:94,080,476, plus strand): 5'-GTTAAACCATCAACTTAACCAACATGAGAGGCCAATTTATAAGCAGGACTCAGAAAACTT[A>C]CTTGTTCTTCTGTCATAAGAATAGATAGGATCCTTCCTTGTGGAGTCAATCCCCAGAAAG-3'

ClinVar aggregate classification (germline): Pathogenic/Likely pathogenic. Review status: criteria provided, multiple submitters, no conflicts (2 of 4 stars). 2 submissions from 2 submitters: Pathogenic (1); Likely pathogenic (1). Last evaluated 2025-10-18.

Conditions:
ABCA4-related disorder. Also called: ABCA4-related disorders; ABCA4-related condition. Identifiers: MedGen CN239167.

Allele frequency attached by ClinVar (database versions not stated): gnomAD exomes below 0.00001.
gnomAD v4.1: 1 of 1,614,158 alleles (0.000062%); highest among the groups gnomAD compares: Non-Finnish European, 0.000085%; no homozygotes.

Submissions (2):

Labcorp Genetics (formerly Invitae), Labcorp
Classification: Pathogenic. Last evaluated: 2025-10-18. Review status: criteria provided, single submitter. Criteria: Invitae Variant Classification Sherloc (09022015). Collection method: clinical testing. Allele origin: germline.
Comment: This sequence change affects a donor splice site in intron 8 of the ABCA4 gene. It is expected to disrupt RNA splicing. Variants that disrupt the donor or acceptor splice site typically lead to a loss of protein function (PMID: 16199547), and loss-of-function variants in ABCA4 are known to be pathogenic (PMID: 10958761, 24938718, 25312043, 26780318). This variant is not present in population databases (gnomAD no frequency). Disruption of this splice site has been observed in individual(s) with clinical features of ABCA4-related conditions (PMID: 29847635; internal data). ClinVar contains an entry for this variant (Variation ID: 1066885). Algorithms developed to predict the effect of sequence changes on RNA splicing suggest that this variant may disrupt the consensus splice site. For these reasons, this variant has been classified as Pathogenic.

Blueprint Genetics
Classification: Likely pathogenic for ABCA4-related disorders. Last evaluated: 2022-10-27. Review status: criteria provided, single submitter. Criteria: ACMG Guidelines, 2015. Collection method: clinical testing. Allele origin: germline. Affected: yes. Observed: 3 variant alleles.

Literature cited by the submitters: PubMed 16199547 (cited by Labcorp Genetics (formerly Invitae), Labcorp); PubMed 10958761 (cited by Labcorp Genetics (formerly Invitae), Labcorp); PubMed 24938718 (cited by Labcorp Genetics (formerly Invitae), Labcorp); PubMed 25312043 (cited by Labcorp Genetics (formerly Invitae), Labcorp); PubMed 26780318 (cited by Labcorp Genetics (formerly Invitae), Labcorp); PubMed 29847635 (cited by Labcorp Genetics (formerly Invitae), Labcorp).